The following is an entry in ClinVar:

NM_001042492.3(NF1):c.7180C>A (p.Leu2394Ile)

Gene: NF1 (neurofibromin 1; plus strand). Cytogenetic location: 17q11.2.
Variant type: single nucleotide variant.
Coding change: c.7180C>A on transcript NM_001042492.3 (MANE Select); coding-DNA position 7180, C replaced by A.
Protein change: p.Leu2394Ile; replaces leucine 2394 with isoleucine.
Molecular consequence: missense variant.
Genome position (GRCh38, 1-based): chr17:31,343,126, C>A. VCF-style: chr17-31343126-C-A. GRCh37 (hg19) VCF-style: chr17-29670144-C-A.
Other names: c.7117C>A, p.Leu2373Ile (NM_000267.4); short protein forms L2373I, L2394I.
Identifiers: ClinVar variation 484125 (VCV000484125.6), dbSNP rs1555535452, ClinGen allele CA399015769.

ClinVar aggregate classification (germline): Uncertain significance (1 of 4 stars; one submission).

Conditions:
Cardiovascular phenotype. Identifiers: MedGen CN230736.
Hereditary cancer-predisposing syndrome. Also called: Neoplastic Syndromes, Hereditary; Tumor predisposition; Hereditary Cancer Syndrome; Hereditary neoplastic syndrome. Identifiers: Orphanet 140162, MedGen C0027672, MeSH D009386, MONDO:0015356.

Submission:

Ambry Genetics
Classification: Uncertain significance for Cardiovascular phenotype; Hereditary cancer-predisposing syndrome. Last evaluated: 2024-11-26. Review status: criteria provided, single submitter. Criteria: Ambry Variant Classification Scheme 2023. Collection method: clinical testing. Allele origin: germline.
Comment: The p.L2373I variant (also known as c.7117C>A), located in coding exon 47 of the NF1 gene, results from a C to A substitution at nucleotide position 7117. The leucine at codon 2373 is replaced by isoleucine, an amino acid with highly similar properties. This amino acid position is highly conserved in available vertebrate species. In addition, this alteration is predicted to be tolerated by in silico analysis. Based on the available evidence, the clinical significance of this variant remains unclear.